The following is an entry in ClinVar:

NM_001365951.3(KIF1B):c.4286A>G (p.Tyr1429Cys)

Gene: KIF1B (kinesin family member 1B; plus strand). Cytogenetic location: 1p36.22.
Variant type: single nucleotide variant.
Coding change: c.4286A>G on transcript NM_001365951.3 (MANE Select); coding-DNA position 4286, A replaced by G.
Protein change: p.Tyr1429Cys; replaces tyrosine 1429 with cysteine.
Molecular consequence: missense variant.
Genome position (GRCh38, 1-based): chr1:10,361,807, A>G. VCF-style: chr1-10361807-A-G. GRCh37 (hg19) VCF-style: chr1-10421865-A-G.
Other names: c.4286A>G, p.Tyr1429Cys (NM_001365952.1); c.4148A>G, p.Tyr1383Cys (NM_015074.3); short protein forms Y1429C, Y1383C.
Identifiers: ClinVar variation 2625741 (VCV002625741.2), dbSNP rs1638431432, ClinGen allele CA338317810.
Genomic context (GRCh38, chr1:10,361,807, plus strand): 5'-ACTCCCGAGATGCCAAGATCTCACCACCACGCTCTCTGCGTAGCCTCTTTGGCAGCGGCT[A>G]CTCAAAGTCACCAGATTCGTAAGTTTTTCACACAAGTTAGCTTCCAGTGTGTTTGTTCAG-3'
Protein context (NP_001352880.1, residues 1419-1439): RSLRSLFGSG[Tyr1429Cys]SKSPDSNRVT

ClinVar aggregate classification (germline): Uncertain significance (1 of 4 stars; one submission).

Allele frequency attached by ClinVar (database versions not stated): gnomAD exomes below 0.00001.
gnomAD v4.1: 1 of 1,614,060 alleles (0.000062%); highest among the groups gnomAD compares: East Asian, 0.0022%; no homozygotes.

Submission:

Ambry Genetics
Classification: Uncertain significance. Last evaluated: 2023-09-05. Review status: criteria provided, single submitter. Criteria: Ambry Variant Classification Scheme 2023. Collection method: clinical testing. Allele origin: germline.
Comment: The p.Y1383C variant (also known as c.4148A>G), located in coding exon 37 of the KIF1B gene, results from an A to G substitution at nucleotide position 4148. The tyrosine at codon 1383 is replaced by cysteine, an amino acid with highly dissimilar properties. This amino acid position is conserved. In addition, this alteration is predicted to be deleterious by in silico analysis. Since supporting evidence is limited at this time, the clinical significance of this alteration remains unclear.